The following is an entry in ClinVar:

NM_139318.5(KCNH5):c.2216G>A (p.Arg739His)

Gene: KCNH5 (potassium voltage-gated channel subfamily H member 5; minus strand). Cytogenetic location: 14q23.2.
Variant type: single nucleotide variant.
Coding change: c.2216G>A on transcript NM_139318.5 (MANE Select); coding-DNA position 2216, G replaced by A.
Protein change: p.Arg739His; replaces arginine 739 with histidine.
Molecular consequence: missense variant. On other transcripts: 3 prime UTR variant (1).
Genome position (GRCh38, 1-based): chr14:62,708,259, C>T on the plus strand (G>A on the coding strand, the complement: KCNH5 is on the minus strand). VCF-style: chr14-62708259-C-T. GRCh37 (hg19) VCF-style: chr14-63174977-C-T.
Other names: c.*183G>A (NM_172375.3); short protein forms R739H.
Identifiers: ClinVar variation 2068736 (VCV002068736.4), dbSNP rs1483154649, ClinGen allele CA390101083.

ClinVar aggregate classification (germline): Uncertain significance (1 of 4 stars; one submission).

Conditions:
Early-infantile DEE. Also called: Early infantile epileptic encephalopathy with suppression bursts; Early infantile epileptic encephalopathy; Ohtahara syndrome. Identifiers: Orphanet 1934, MedGen C0393706, MONDO:0800491.

Allele frequency attached by ClinVar (database versions not stated): gnomAD 0.00001.
gnomAD v4.1: 24 of 1,614,024 alleles (0.0015%); highest among the groups gnomAD compares: Non-Finnish European, 0.0019%; no homozygotes.

Submission:

Labcorp Genetics (formerly Invitae), Labcorp
Classification: Uncertain significance for Early-infantile DEE. Last evaluated: 2022-07-11. Review status: criteria provided, single submitter. Criteria: Invitae Variant Classification Sherloc (09022015). Collection method: clinical testing. Allele origin: germline.
Comment: In summary, the available evidence is currently insufficient to determine the role of this variant in disease. Therefore, it has been classified as a Variant of Uncertain Significance. Advanced modeling of protein sequence and biophysical properties (such as structural, functional, and spatial information, amino acid conservation, physicochemical variation, residue mobility, and thermodynamic stability) performed at Invitae indicates that this missense variant is not expected to disrupt KCNH5 protein function. This variant has not been reported in the literature in individuals affected with KCNH5-related conditions. The frequency data for this variant in the population databases is considered unreliable, as metrics indicate poor data quality at this position in the gnomAD database. This sequence change replaces arginine, which is basic and polar, with histidine, which is basic and polar, at codon 739 of the KCNH5 protein (p.Arg739His).